The following is an entry in ClinVar:

NM_030777.4(SLC2A10):c.1096C>T (p.Pro366Ser)

Gene: SLC2A10 (solute carrier family 2 member 10; plus strand). Cytogenetic location: 20q13.12.
Variant type: single nucleotide variant.
Coding change: c.1096C>T on transcript NM_030777.4 (MANE Select); coding-DNA position 1096, C replaced by T.
Protein change: p.Pro366Ser; replaces proline 366 with serine.
Molecular consequence: missense variant.
Genome position (GRCh38, 1-based): chr20:46,726,132, C>T. VCF-style: chr20-46726132-C-T. GRCh37 (hg19) VCF-style: chr20-45354771-C-T.
Other names: p.P366S:CCA>TCA; short protein forms P366S.
Identifiers: ClinVar variation 213733 (VCV000213733.9), dbSNP rs774664650, ClinGen allele CA320257.

ClinVar aggregate classification (germline): Conflicting classifications of pathogenicity. Review status: criteria provided, conflicting classifications (1 of 4 stars). 3 submissions from 3 submitters: Uncertain significance (2); Likely benign (1). Last evaluated 2026-06-04.

Conditions:
Familial thoracic aortic aneurysm and aortic dissection (TAAD). Also called: Thoracic aortic aneurysms and dissections. Identifiers: Orphanet 91387, MedGen C4707243, MONDO:0019625.
Arterial tortuosity syndrome (ATORS). Identifiers: Orphanet 3342, MedGen C1859726, MONDO:0008818, OMIM 208050.

Allele frequency attached by ClinVar (database versions not stated): gnomAD exomes below 0.00001; TOPMed 0.00001; gnomAD 0.00001; ExAC 0.00001.
gnomAD v4.1: 1 of 1,614,126 alleles (0.000062%); highest among the groups gnomAD compares: African/African-American, 0.0013%; no homozygotes.

Submissions (3):

Ambry Genetics
Classification: Likely benign for Familial thoracic aortic aneurysm and aortic dissection. Last evaluated: 2026-06-04. Review status: criteria provided, single submitter. Criteria: Ambry Variant Classification Scheme 2023. Collection method: clinical testing. Allele origin: germline.

Labcorp Genetics (formerly Invitae), Labcorp
Classification: Uncertain significance for Arterial tortuosity syndrome. Last evaluated: 2021-08-28. Review status: criteria provided, single submitter. Criteria: Invitae Variant Classification Sherloc (09022015). Collection method: clinical testing. Allele origin: germline.
Comment: This sequence change replaces proline with serine at codon 366 of the SLC2A10 protein (p.Pro366Ser). The proline residue is moderately conserved and there is a moderate physicochemical difference between proline and serine. This variant is present in population databases (rs774664650, ExAC 0.01%). This variant has not been reported in the literature in individuals affected with SLC2A10-related conditions. ClinVar contains an entry for this variant (Variation ID: 213733). Advanced modeling of protein sequence and biophysical properties (such as structural, functional, and spatial information, amino acid conservation, physicochemical variation, residue mobility, and thermodynamic stability) performed at Invitae indicates that this missense variant is not expected to disrupt SLC2A10 protein function. In summary, the available evidence is currently insufficient to determine the role of this variant in disease. Therefore, it has been classified as a Variant of Uncertain Significance.

GeneDx
Classification: Uncertain significance. Last evaluated: 2018-04-25. Review status: criteria provided, single submitter. Criteria: GeneDx Variant Classification (06012015). Collection method: clinical testing. Allele origin: germline. Affected: yes.
Comment: p.Pro366Ser (CCA>TCA): c.1096 C>T in exon 2 of the SLC2A10 gene (NM_030777.3). The Pro366Ser variant in the SLC2A10 gene has not been reported as a disease-causing mutation nor as a benign polymorphism to our knowledge. Pro366Ser results in a non-conservative amino acid substitution of a non-polar Proline with a neutral, polar Serine at a position that is not well conserved across species. In silico analysis predicts Pro366Ser is benign to the protein structure/function. No mutations in nearby residues have been reported in association with arterial tortuosity syndrome (ATS). Nevertheless, the Pro366Ser variant was not observed in approximately 6,500 individuals of European and African American ancestry in the NHLBI Exome Sequencing Project, indicating it is not a common benign variant in these populations. With the clinical and molecular information available at this time, we cannot definitively determine if Pro366Ser is a disease-causing mutation or a rare benign variant. This variant was found in TAAD